The following is an entry in ClinVar:

ClinVar aggregate classification (germline): Uncertain significance (1 of 4 stars; one submission).

Submission:

Labcorp Genetics (formerly Invitae), Labcorp
Classification: Uncertain significance. Last evaluated: 2024-02-14. Review status: criteria provided, single submitter. Criteria: Invitae Variant Classification Sherloc (09022015). Collection method: clinical testing. Allele origin: germline.
Comment: This sequence change replaces alanine, which is neutral and non-polar, with glutamic acid, which is acidic and polar, at codon 35 of the FGFR3 protein (p.Ala35Glu). This variant is not present in population databases (gnomAD no frequency). This variant has not been reported in the literature in individuals affected with FGFR3-related conditions. Advanced modeling of protein sequence and biophysical properties (such as structural, functional, and spatial information, amino acid conservation, physicochemical variation, residue mobility, and thermodynamic stability) has been performed at Invitae for this missense variant, however the output from this modeling did not meet the statistical confidence thresholds required to predict the impact of this variant on FGFR3 protein function. In summary, the available evidence is currently insufficient to determine the role of this variant in disease. Therefore, it has been classified as a Variant of Uncertain Significance.

NM_000142.5(FGFR3):c.104C>A (p.Ala35Glu)

Gene: FGFR3 (fibroblast growth factor receptor 3; plus strand). Cytogenetic location: 4p16.3.
Variant type: single nucleotide variant.
Coding change: c.104C>A on transcript NM_000142.5 (MANE Select); coding-DNA position 104, C replaced by A.
Protein change: p.Ala35Glu; replaces alanine 35 with glutamic acid.
Molecular consequence: missense variant. On other transcripts: non-coding transcript variant (1).
Genome position (GRCh38, 1-based): chr4:1,794,038, C>A. VCF-style: chr4-1794038-C-A. GRCh37 (hg19) VCF-style: chr4-1795765-C-A.
Other names: c.104C>A, p.Ala35Glu (NM_001163213.2, NM_001354809.2, NM_001354810.2 and 1 more transcripts); short protein forms A35E.
Identifiers: ClinVar variation 3636987 (VCV003636987.2).